The following is an entry in ClinVar:

ClinVar aggregate classification (germline): Uncertain significance. Review status: criteria provided, multiple submitters, no conflicts (2 of 4 stars). 2 submissions from 2 submitters: Uncertain significance (2). Last evaluated 2025-06-17.

Conditions:
Inborn genetic diseases. Identifiers: MedGen C0950123, MeSH D030342.

Allele frequency attached by ClinVar (database versions not stated): TOPMed 0.00002.

Submissions (2):

Ambry Genetics
Classification: Uncertain significance for Inborn genetic diseases. Last evaluated: 2025-06-17. Review status: criteria provided, single submitter. Criteria: Ambry Variant Classification Scheme 2023. Collection method: clinical testing. Allele origin: germline.

Labcorp Genetics (formerly Invitae), Labcorp
Classification: Uncertain significance. Last evaluated: 2022-11-24. Review status: criteria provided, single submitter. Criteria: Invitae Variant Classification Sherloc (09022015). Collection method: clinical testing. Allele origin: germline.
Comment: In summary, the available evidence is currently insufficient to determine the role of this variant in disease. Therefore, it has been classified as a Variant of Uncertain Significance. Advanced modeling of protein sequence and biophysical properties (such as structural, functional, and spatial information, amino acid conservation, physicochemical variation, residue mobility, and thermodynamic stability) performed at Invitae indicates that this missense variant is not expected to disrupt STAG2 protein function. This variant has not been reported in the literature in individuals affected with STAG2-related conditions. This variant is not present in population databases (gnomAD no frequency). This sequence change replaces threonine, which is neutral and polar, with isoleucine, which is neutral and non-polar, at codon 601 of the STAG2 protein (p.Thr601Ile).

NM_001042750.2(STAG2):c.1802C>T (p.Thr601Ile)

Gene: STAG2 (STAG2 cohesin complex component; plus strand). Cytogenetic location: Xq25.
Variant type: single nucleotide variant.
Coding change: c.1802C>T on transcript NM_001042750.2 (MANE Select); coding-DNA position 1802, C replaced by T.
Protein change: p.Thr601Ile; replaces threonine 601 with isoleucine.
Molecular consequence: missense variant.
Genome position (GRCh38, 1-based): chrX:124,063,186, C>T. VCF-style: chrX-124063186-C-T. GRCh37 (hg19) VCF-style: chrX-123197036-C-T.
Other names: c.1802C>T, p.Thr601Ile (NM_001375374.1, NM_001375377.1, NM_006603.5 and 13 more transcripts); c.1802C>T (NM_001042749.1); short protein forms T601I.
Identifiers: ClinVar variation 2852816 (VCV002852816.4), dbSNP rs942468714, ClinGen allele CA335279384.